The following is an entry in ClinVar:

NM_000059.4(BRCA2):c.1601A>G (p.Glu534Gly)

Gene: BRCA2 (BRCA2 DNA repair associated; plus strand). Cytogenetic location: 13q13.1.
Variant type: single nucleotide variant.
Coding change: c.1601A>G on transcript NM_000059.4 (MANE Select); coding-DNA position 1601, A replaced by G.
Protein change: p.Glu534Gly; replaces glutamic acid 534 with glycine.
Molecular consequence: missense variant. On other transcripts: non-coding transcript variant (1), intron variant (1).
Genome position (GRCh38, 1-based): chr13:32,333,079, A>G. VCF-style: chr13-32333079-A-G. GRCh37 (hg19) VCF-style: chr13-32907216-A-G.
Other names: c.1601A>G, p.Glu534Gly (NM_001406719.1, NM_001406720.1, NM_001406721.1); c.424+2049A>G (NM_001406722.1); short protein forms E534G.
Identifiers: ClinVar variation 2586277 (VCV002586277.5), dbSNP rs2137473113, ClinGen allele CA387764835.

ClinVar aggregate classification (germline): Uncertain significance. Review status: criteria provided, multiple submitters, no conflicts (2 of 4 stars). 2 submissions from 2 submitters: Uncertain significance (2). Last evaluated 2023-07-10.

Conditions:
Hereditary breast ovarian cancer syndrome. Also called: BRCA1- and BRCA2-Associated Hereditary Breast and Ovarian Cancer; Hereditary breast and ovarian cancer; Hereditary breast and ovarian cancer syndrome (HBOC); Breast and ovarian cancer; Hereditary breast and ovarian cancer syndrome; Hereditary breast and/or ovarian cancer syndrome. Identifiers: Orphanet 145, MedGen C0677776, MeSH D061325, MONDO:0003582. Disease mechanism: loss of function.
Hereditary cancer-predisposing syndrome. Also called: Hereditary neoplastic syndrome; Tumor predisposition; Hereditary Cancer Syndrome; Neoplastic Syndromes, Hereditary. Identifiers: Orphanet 140162, MedGen C0027672, MeSH D009386, MONDO:0015356.

Submissions (2):

Ambry Genetics
Classification: Uncertain significance for Hereditary cancer-predisposing syndrome. Last evaluated: 2023-07-10. Review status: criteria provided, single submitter. Criteria: Ambry Variant Classification Scheme 2023. Collection method: clinical testing. Allele origin: germline.
Comment: The p.E534G variant (also known as c.1601A>G), located in coding exon 9 of the BRCA2 gene, results from an A to G substitution at nucleotide position 1601. The glutamic acid at codon 534 is replaced by glycine, an amino acid with similar properties. This amino acid position is not well conserved in available vertebrate species. In addition, this alteration is predicted to be tolerated by in silico analysis. Since supporting evidence is limited at this time, the clinical significance of this alteration remains unclear.

Labcorp Genetics (formerly Invitae), Labcorp
Classification: Uncertain significance for Hereditary breast ovarian cancer syndrome. Last evaluated: 2022-11-06. Review status: criteria provided, single submitter. Criteria: Invitae Variant Classification Sherloc (09022015). Collection method: clinical testing. Allele origin: germline.
Comment: In summary, the available evidence is currently insufficient to determine the role of this variant in disease. Therefore, it has been classified as a Variant of Uncertain Significance. Advanced modeling of protein sequence and biophysical properties (such as structural, functional, and spatial information, amino acid conservation, physicochemical variation, residue mobility, and thermodynamic stability) performed at Invitae indicates that this missense variant is not expected to disrupt BRCA2 protein function. This variant has not been reported in the literature in individuals affected with BRCA2-related conditions. This variant is not present in population databases (gnomAD no frequency). This sequence change replaces glutamic acid, which is acidic and polar, with glycine, which is neutral and non-polar, at codon 534 of the BRCA2 protein (p.Glu534Gly).